The following is an entry in ClinVar:

ClinVar aggregate classification (germline): Uncertain significance. Review status: criteria provided, multiple submitters, no conflicts (2 of 4 stars). 2 submissions from 2 submitters: Uncertain significance (2). Last evaluated 2026-02-01.

Conditions:
Inborn genetic diseases. Identifiers: MedGen C0950123, MeSH D030342.
Familial hemophagocytic lymphohistiocytosis 3 (FHL3). Also called: UNC13D-Related Familial Hemophagocytic Lymphohistiocytosis (UNC13D-fHLH). Identifiers: Orphanet 540, MedGen C1837174, MONDO:0012146, OMIM 608898.

Allele frequency attached by ClinVar (database versions not stated): ExAC 0.00002; gnomAD 0.00003 and 0.00004; gnomAD exomes 0.00003 and 0.00016; TOPMed 0.00003.
gnomAD v4.1: 229 of 1,603,762 alleles (0.014%); highest among the groups gnomAD compares: Non-Finnish European, 0.019%; no homozygotes.

Submissions (2):

Labcorp Genetics (formerly Invitae), Labcorp
Classification: Uncertain significance for Familial hemophagocytic lymphohistiocytosis 3. Last evaluated: 2026-02-01. Review status: criteria provided, single submitter. Criteria: Invitae Variant Classification Sherloc (09022015). Collection method: clinical testing. Allele origin: germline.
Comment: This sequence change replaces glutamine, which is neutral and polar, with proline, which is neutral and non-polar, at codon 1083 of the UNC13D protein (p.Gln1083Pro). This variant is present in population databases (rs766632931, gnomAD 0.008%). This variant has not been reported in the literature in individuals affected with UNC13D-related conditions. ClinVar contains an entry for this variant (Variation ID: 571706). An algorithm developed to predict the effect of missense changes on protein structure and function (PolyPhen-2) suggests that this variant is likely to be tolerated. In summary, the available evidence is currently insufficient to determine the role of this variant in disease. Therefore, it has been classified as a Variant of Uncertain Significance.

Ambry Genetics
Classification: Uncertain significance for Inborn genetic diseases. Last evaluated: 2025-08-12. Review status: criteria provided, single submitter. Criteria: Ambry Variant Classification Scheme 2023. Collection method: clinical testing. Allele origin: germline.

NM_199242.3(UNC13D):c.3248A>C (p.Gln1083Pro)

Gene: UNC13D (unc-13 homolog D; minus strand). Cytogenetic location: 17q25.1.
Variant type: single nucleotide variant.
Coding change: c.3248A>C on transcript NM_199242.3 (MANE Select); coding-DNA position 3248, A replaced by C.
Protein change: p.Gln1083Pro; replaces glutamine 1083 with proline.
Molecular consequence: missense variant.
Genome position (GRCh38, 1-based): chr17:75,827,990, T>G on the plus strand (A>C on the coding strand, the complement: UNC13D is on the minus strand). VCF-style: chr17-75827990-T-G. GRCh37 (hg19) VCF-style: chr17-73824071-T-G.
Other names: short protein forms Q1083P.
Identifiers: ClinVar variation 571706 (VCV000571706.9), dbSNP rs766632931, ClinGen allele CA8772211.